The following is an entry in ClinVar:

ClinVar aggregate classification (germline): Likely pathogenic. Review status: criteria provided, multiple submitters, no conflicts (2 of 4 stars). 2 submissions from 2 submitters: Likely pathogenic (2). Last evaluated 2023-09-07.

gnomAD v4.1: 8 of 1,614,050 alleles (0.0005%); highest among the groups gnomAD compares: Non-Finnish European, 0.00068%; no homozygotes.

Submissions (2):

GeneDx
Classification: Likely pathogenic. Last evaluated: 2023-09-07. Review status: criteria provided, single submitter. Criteria: GeneDx Variant Classification Process June 2021. Collection method: clinical testing. Allele origin: germline. Affected: yes.
Comment: Reported along with a second variant in the SYNE1 gene in a patient with cerebellar ataxia in the published literature; however, segregation information was not provided (Coutelier et al., 2018); Nonsense variant predicted to result in protein truncation or nonsense mediated decay in a gene for which loss of function is a known mechanism of disease; Not observed at significant frequency in large population cohorts (gnomAD); This variant is associated with the following publications: (PMID: 29482223)

Revvity Omics, Revvity
Classification: Likely pathogenic. Last evaluated: 2019-06-04. Review status: criteria provided, single submitter. Criteria: ACMG Guidelines, 2015. Collection method: clinical testing. Allele origin: germline.

NM_182961.4(SYNE1):c.23346G>A (p.Trp7782Ter)

Gene: SYNE1 (spectrin repeat containing nuclear envelope protein 1; minus strand). Cytogenetic location: 6q25.2.
Variant type: single nucleotide variant.
Coding change: c.23346G>A on transcript NM_182961.4 (MANE Select); coding-DNA position 23346, G replaced by A.
Protein change: p.Trp7782Ter; replaces tryptophan 7782 with a stop codon.
Molecular consequence: nonsense. On other transcripts: 5 prime UTR variant (1).
Genome position (GRCh38, 1-based): chr6:152,180,250, C>T on the plus strand (G>A on the coding strand, the complement: SYNE1 is on the minus strand). VCF-style: chr6-152180250-C-T. GRCh37 (hg19) VCF-style: chr6-152501385-C-T.
Other names: c.-49G>A (NM_001347701.2); c.23133G>A, p.Trp7711Ter (NM_033071.5); short protein forms W7711*, W7782*.
Identifiers: ClinVar variation 1325162 (VCV001325162.5), dbSNP rs2153180156, ClinGen allele CA366092131.